The following is an entry in ClinVar:

NM_001282933.2(ZNF341):c.633C>A (p.Asn211Lys)

Gene: ZNF341 (zinc finger protein 341; plus strand). Cytogenetic location: 20q11.22.
Variant type: single nucleotide variant.
Coding change: c.633C>A on transcript NM_001282933.2 (MANE Select); coding-DNA position 633, C replaced by A.
Protein change: p.Asn211Lys; replaces asparagine 211 with lysine.
Molecular consequence: missense variant. On other transcripts: non-coding transcript variant (1).
Genome position (GRCh38, 1-based): chr20:33,753,315, C>A. VCF-style: chr20-33753315-C-A. GRCh37 (hg19) VCF-style: chr20-32341121-C-A.
Other names: c.363C>A, p.Asn121Lys (NM_001282935.2); c.633C>A, p.Asn211Lys (NM_032819.5); short protein forms N121K, N211K.
Identifiers: ClinVar variation 1490914 (VCV001490914.8), dbSNP rs995516465, ClinGen allele CA313336226.

ClinVar aggregate classification (germline): Uncertain significance (1 of 4 stars; one submission).

Allele frequency attached by ClinVar (database versions not stated): TOPMed 0.00001; gnomAD exomes below 0.00001; gnomAD 0.00001.
gnomAD v4.1: 5 of 1,611,670 alleles (0.00031%); highest among the groups gnomAD compares: African/African-American, 0.004%; no homozygotes.

Submission:

Labcorp Genetics (formerly Invitae), Labcorp
Classification: Uncertain significance. Last evaluated: 2022-03-19. Review status: criteria provided, single submitter. Criteria: Invitae Variant Classification Sherloc (09022015). Collection method: clinical testing. Allele origin: germline.
Comment: This variant has not been reported in the literature in individuals affected with ZNF341-related conditions. This variant is present in population databases (no rsID available, gnomAD 0.01%). This sequence change replaces asparagine, which is neutral and polar, with lysine, which is basic and polar, at codon 211 of the ZNF341 protein (p.Asn211Lys). Algorithms developed to predict the effect of missense changes on protein structure and function (SIFT, PolyPhen-2, Align-GVGD) all suggest that this variant is likely to be tolerated. In summary, the available evidence is currently insufficient to determine the role of this variant in disease. Therefore, it has been classified as a Variant of Uncertain Significance.